The following is an entry in ClinVar:

ClinVar aggregate classification (germline): Uncertain significance. Review status: criteria provided, multiple submitters, no conflicts (2 of 4 stars). 2 submissions from 2 submitters: Uncertain significance (2). Last evaluated 2026-01-18.

Allele frequency attached by ClinVar (database versions not stated): gnomAD 0.00005; TOPMed 0.00008; ExAC 0.00012.
gnomAD v4.1: 337 of 1,490,388 alleles (0.023%); highest among the groups gnomAD compares: Non-Finnish European, 0.029%; no homozygotes.

Submissions (2):

Labcorp Genetics (formerly Invitae), Labcorp
Classification: Uncertain significance. Last evaluated: 2026-01-18. Review status: criteria provided, single submitter. Criteria: Invitae Variant Classification Sherloc (09022015). Collection method: clinical testing. Allele origin: germline.
Comment: This sequence change replaces arginine, which is basic and polar, with histidine, which is basic and polar, at codon 1210 of the MYH7B protein (p.Arg1210His). This variant is present in population databases (rs752710199, gnomAD 0.02%). This variant has not been reported in the literature in individuals affected with MYH7B-related conditions. ClinVar contains an entry for this variant (Variation ID: 2066134). Invitae Evidence Modeling of protein sequence and biophysical properties (such as structural, functional, and spatial information, amino acid conservation, physicochemical variation, residue mobility, and thermodynamic stability) has been performed for this missense variant. However, the output from this modeling did not meet the statistical confidence thresholds required to predict the impact of this variant on MYH7B protein function. In summary, the available evidence is currently insufficient to determine the role of this variant in disease. Therefore, it has been classified as a Variant of Uncertain Significance.

Ambry Genetics
Classification: Uncertain significance. Last evaluated: 2024-12-10. Review status: criteria provided, single submitter. Criteria: Ambry Variant Classification Scheme 2023. Collection method: clinical testing. Allele origin: germline.

NM_020884.7(MYH7B):c.3503G>A (p.Arg1168His)

Gene: MYH7B (myosin heavy chain 7B; plus strand). Cytogenetic location: 20q11.22.
Variant type: single nucleotide variant.
Coding change: c.3503G>A on transcript NM_020884.7 (MANE Select); coding-DNA position 3503, G replaced by A.
Protein change: p.Arg1168His; replaces arginine 1168 with histidine.
Molecular consequence: missense variant.
Genome position (GRCh38, 1-based): chr20:34,997,396, G>A. VCF-style: chr20-34997396-G-A. GRCh37 (hg19) VCF-style: chr20-33585199-G-A.
Other names: c.3629G>A (NM_020884.3); short protein forms R1168H.
Identifiers: ClinVar variation 2066134 (VCV002066134.5), dbSNP rs752710199, ClinGen allele CA9827746.